The following is an entry in ClinVar:

ClinVar aggregate classification (germline): Uncertain significance (1 of 4 stars; one submission).

gnomAD v4.1: 2 of 1,613,274 alleles (0.00012%); highest among the groups gnomAD compares: Non-Finnish European, 0.00017%; no homozygotes.

Submission:

GeneDx
Classification: Uncertain significance. Last evaluated: 2026-01-25. Review status: criteria provided, single submitter. Criteria: GeneDx Variant Classification Process June 2021. Collection method: clinical testing. Allele origin: germline.
Comment: Not observed at significant frequency in large population cohorts (gnomAD); In silico analysis supports that this missense variant has a deleterious effect on protein structure/function; Has not been previously published as pathogenic or benign to our knowledge

NM_014000.3(VCL):c.1867G>A (p.Glu623Lys)

Gene: VCL (vinculin; plus strand). Cytogenetic location: 10q22.2.
Variant type: single nucleotide variant.
Coding change: c.1867G>A on transcript NM_014000.3 (MANE Select); coding-DNA position 1867, G replaced by A.
Protein change: p.Glu623Lys; replaces glutamic acid 623 with lysine.
Molecular consequence: missense variant.
Genome position (GRCh38, 1-based): chr10:74,097,327, G>A. VCF-style: chr10-74097327-G-A. GRCh37 (hg19) VCF-style: chr10-75857085-G-A.
Other names: c.1867G>A, p.Glu623Lys (NM_003373.4); short protein forms E623K.
Identifiers: ClinVar variation 3368818 (VCV003368818.2).